The following is an entry in ClinVar:

ClinVar aggregate classification (germline): Uncertain significance (1 of 4 stars; one submission).

Conditions:
Inborn genetic diseases. Identifiers: MedGen C0950123, MeSH D030342.

Submission:

Ambry Genetics
Classification: Uncertain significance for Inborn genetic diseases. Last evaluated: 2026-05-14. Review status: criteria provided, single submitter. Criteria: Ambry Variant Classification Scheme 2023. Collection method: clinical testing. Allele origin: germline.
Comment: The p.P1284R variant (also known as c.3851C>G), located in coding exon 13 of the ASXL1 gene, results from a C to G substitution at nucleotide position 3851. The proline at codon 1284 is replaced by arginine, an amino acid with dissimilar properties. This amino acid position is conserved. In addition, this alteration is predicted to be tolerated by in silico analysis. Based on the available evidence, the clinical significance of this variant remains unclear.

NM_015338.6(ASXL1):c.3851C>G (p.Pro1284Arg)

Gene: ASXL1 (ASXL transcriptional regulator 1; plus strand). Cytogenetic location: 20q11.21.
Variant type: single nucleotide variant.
Coding change: c.3851C>G on transcript NM_015338.6 (MANE Select); coding-DNA position 3851, C replaced by G.
Protein change: p.Pro1284Arg; replaces proline 1284 with arginine.
Molecular consequence: missense variant.
Genome position (GRCh38, 1-based): chr20:32,436,563, C>G. VCF-style: chr20-32436563-C-G. GRCh37 (hg19) VCF-style: chr20-31024366-C-G.
Other names: c.3668C>G, p.Pro1223Arg (NM_001363734.1); short protein forms P1223R, P1284R.
Identifiers: ClinVar variation 4864553 (VCV004864553.1).